The following is an entry in ClinVar:

ClinVar aggregate classification (germline): Benign/Likely benign. Review status: criteria provided, multiple submitters, no conflicts (2 of 4 stars). 8 submissions from 7 submitters: Benign (3); Likely benign (5). Last evaluated 2026-08-01.

Conditions:
Developmental and epileptic encephalopathy, 14 (DEE14). Also called: Early infantile epileptic encephalopathy 14. Identifiers: Orphanet 293181, MedGen C3554195, MONDO:0013989, OMIM 614959.
Autosomal dominant nocturnal frontal lobe epilepsy 5. Also called: Epilepsy, nocturnal frontal lobe, 5; KCNT1-Related Epilepsy; CILIARY DYSKINESIA, PRIMARY, 28, WITHOUT SITUS INVERSUS; CILIARY DYSKINESIA, PRIMARY, 28, WITH SITUS INVERSUS. Identifiers: Orphanet 98784, MedGen C3554306, MONDO:0014002, OMIM 615005.
KCNT1-related disorder. Also called: KCNT1-related condition.
Inborn genetic diseases. Identifiers: MedGen C0950123, MeSH D030342.

Allele frequency attached by ClinVar (database versions not stated): 1000 Genomes Project 30x 0.00016; 1000 Genomes Project 0.00020; gnomAD 0.00034 and 0.00039; TOPMed 0.00039; ExAC 0.00040; ESP Exome Variant Server 0.00085.
gnomAD v4.1: 1,020 of 1,613,736 alleles (0.063%); highest among the groups gnomAD compares: Non-Finnish European, 0.072%; 2 homozygotes.

Submissions (8):

CeGaT Center for Human Genetics Tuebingen
Classification: Likely benign. Last evaluated: 2026-08-01. Review status: criteria provided, single submitter. Criteria: CeGaT Center For Human Genetics Tuebingen Variant Classification Criteria Version 2. Collection method: clinical testing. Allele origin: germline. Affected: yes. Observed: 5 variant alleles.
Comment: KCNT1: BP4, BP7

Labcorp Genetics (formerly Invitae), Labcorp
Classification: Benign for Autosomal dominant nocturnal frontal lobe epilepsy 5; Developmental and epileptic encephalopathy, 14. Last evaluated: 2026-01-12. Review status: criteria provided, single submitter. Criteria: Invitae Variant Classification Sherloc (09022015). Collection method: clinical testing. Allele origin: germline.

PreventionGenetics, part of Exact Sciences
Classification: Likely benign for KCNT1-related condition. Last evaluated: 2025-01-18. Review status: criteria provided, single submitter. Criteria: ACMG Guidelines, 2015. Collection method: clinical testing. Allele origin: germline.
Comment: This variant is classified as likely benign based on ACMG/AMP sequence variant interpretation guidelines (Richards et al. 2015 PMID: 25741868, with internal and published modifications).

Blueprint Genetics
Classification: Likely benign. Last evaluated: 2024-09-11. Review status: criteria provided, single submitter. Criteria: ACMG Guidelines, 2015. Collection method: clinical testing. Allele origin: germline.

Genome-Nilou Lab
Classification: Benign for Developmental and epileptic encephalopathy, 14. Last evaluated: 2022-03-15. Review status: criteria provided, single submitter. Criteria: ACMG Guidelines, 2015. Collection method: clinical testing. Allele origin: germline. Affected: no.

Genome-Nilou Lab
Classification: Benign for Autosomal dominant nocturnal frontal lobe epilepsy 5. Last evaluated: 2022-03-15. Review status: criteria provided, single submitter. Criteria: ACMG Guidelines, 2015. Collection method: clinical testing. Allele origin: germline. Affected: no.

GeneDx
Classification: Likely benign. Last evaluated: 2021-10-11. Review status: criteria provided, single submitter. Criteria: GeneDx Variant Classification Process June 2021. Collection method: clinical testing. Allele origin: germline. Affected: yes.

Ambry Genetics
Classification: Likely benign for Inborn genetic diseases. Last evaluated: 2017-08-30. Review status: criteria provided, single submitter. Criteria: Ambry Variant Classification Scheme 2023. Collection method: clinical testing. Allele origin: germline.

NM_020822.3(KCNT1):c.2691G>A (p.Ala897=)

Gene: KCNT1 (potassium sodium-activated channel subfamily T member 1; plus strand). Cytogenetic location: 9q34.3.
Variant type: single nucleotide variant.
Coding change: c.2691G>A on transcript NM_020822.3 (MANE Select); coding-DNA position 2691, G replaced by A.
Protein change: p.Ala897=; no amino-acid change (alanine 897 retained).
Molecular consequence: synonymous variant.
Genome position (GRCh38, 1-based): chr9:135,778,784, G>A. VCF-style: chr9-135778784-G-A. GRCh37 (hg19) VCF-style: chr9-138670630-G-A.
Other names: c.2556G>A, p.Ala852= (NM_001272003.2).
Identifiers: ClinVar variation 383085 (VCV000383085.29), dbSNP rs142642528, ClinGen allele CA5327391.